The following is an entry in ClinVar:

ClinVar aggregate classification (germline): Uncertain significance. Review status: criteria provided, multiple submitters, no conflicts (2 of 4 stars). 3 submissions from 3 submitters: Uncertain significance (3). Last evaluated 2025-10-03.

Conditions:
Hereditary cancer-predisposing syndrome. Also called: Hereditary Cancer Syndrome; Hereditary neoplastic syndrome; Neoplastic Syndromes, Hereditary; Tumor predisposition. Identifiers: Orphanet 140162, MedGen C0027672, MeSH D009386, MONDO:0015356.

Allele frequency attached by ClinVar (database versions not stated): gnomAD exomes below 0.00001.
gnomAD v4.1: 1 of 1,613,836 alleles (0.000062%); highest among the groups gnomAD compares: Non-Finnish European, 0.000085%; no homozygotes.

Submissions (3):

Ambry Genetics
Classification: Uncertain significance for Hereditary cancer-predisposing syndrome. Last evaluated: 2025-10-03. Review status: criteria provided, single submitter. Criteria: Ambry Variant Classification Scheme 2023. Collection method: clinical testing. Allele origin: germline.
Comment: The p.G1062E variant (also known as c.3185G>A), located in coding exon 23 of the MSH3 gene, results from a G to A substitution at nucleotide position 3185. The glycine at codon 1062 is replaced by glutamic acid, an amino acid with similar properties. This amino acid position is conserved. In addition, this alteration is predicted to be deleterious by in silico analysis. Since supporting evidence is limited at this time, the clinical significance of this alteration remains unclear.

Labcorp Genetics (formerly Invitae), Labcorp
Classification: Uncertain significance. Last evaluated: 2024-05-28. Review status: criteria provided, single submitter. Criteria: Invitae Variant Classification Sherloc (09022015). Collection method: clinical testing. Allele origin: germline.
Comment: This sequence change replaces glycine, which is neutral and non-polar, with glutamic acid, which is acidic and polar, at codon 1062 of the MSH3 protein (p.Gly1062Glu). This variant is not present in population databases (gnomAD no frequency). This variant has not been reported in the literature in individuals affected with MSH3-related conditions. ClinVar contains an entry for this variant (Variation ID: 1692673). An algorithm developed to predict the effect of missense changes on protein structure and function (PolyPhen-2) suggests that this variant is likely to be disruptive. In summary, the available evidence is currently insufficient to determine the role of this variant in disease. Therefore, it has been classified as a Variant of Uncertain Significance.

Sema4
Classification: Uncertain significance for Hereditary cancer-predisposing syndrome. Last evaluated: 2021-11-18. Review status: criteria provided, single submitter. Criteria: Sema4 Curation Guidelines. Collection method: curation. Allele origin: germline.
Comment: The MSH3 c.3185G>A (p.G1062E) variant has not been reported in the literature to our knowledge. It was not observed in the large and broad cohorts of the Genome Aggregation Database, and has not been reported in ClinVar. In silico tools suggest the impact of the variant on protein function is deleterious, though these predictions have not been confirmed by functional studies. The evidence is insufficient to meet ACMG/AMP criteria for classifying the variant as benign or pathogenic. Thus, the clinical significance of this variant is currently uncertain.

NM_002439.5(MSH3):c.3185G>A (p.Gly1062Glu)

Gene: MSH3 (mutS homolog 3; plus strand). Cytogenetic location: 5q14.1.
Variant type: single nucleotide variant.
Coding change: c.3185G>A on transcript NM_002439.5 (MANE Select); coding-DNA position 3185, G replaced by A.
Protein change: p.Gly1062Glu; replaces glycine 1062 with glutamic acid.
Molecular consequence: missense variant.
Genome position (GRCh38, 1-based): chr5:80,873,170, G>A. VCF-style: chr5-80873170-G-A. GRCh37 (hg19) VCF-style: chr5-80168989-G-A.
Other names: short protein forms G1062E.
Identifiers: ClinVar variation 1692673 (VCV001692673.7), dbSNP rs2112128690, ClinGen allele CA360346897.
Genomic context (GRCh38, chr5:80,873,170, plus strand): 5'-TCACAGGCGCAGCAGAACAAGTCCCTGATTTTGTCACCTTCCTTTACCAAATAACTAGAG[G>A]AATTGCAGCAAGGAGTTATGGATTAAATGTGGCTAAACTAGCAGATGTTCCTGGAGAAAT-3'
Protein context (NP_002430.3, residues 1052-1072): FVTFLYQITR[Gly1062Glu]IAARSYGLNV